The following is an entry in ClinVar:

NM_001164508.2(NEB):c.776C>T (p.Pro259Leu)

Gene: NEB (nebulin; minus strand). Cytogenetic location: 2q23.3.
Variant type: single nucleotide variant.
Coding change: c.776C>T on transcript NM_001164508.2 (MANE Select); coding-DNA position 776, C replaced by T.
Protein change: p.Pro259Leu; replaces proline 259 with leucine.
Molecular consequence: missense variant.
Genome position (GRCh38, 1-based): chr2:151,717,462, G>A on the plus strand (C>T on the coding strand, the complement: NEB is on the minus strand). VCF-style: chr2-151717462-G-A. GRCh37 (hg19) VCF-style: chr2-152573976-G-A.
Other names: c.776C>T, p.Pro259Leu (NM_001164507.2, NM_001271208.2, NM_004543.5); short protein forms P259L.
Identifiers: ClinVar variation 2729081 (VCV002729081.3), dbSNP rs2552278460, ClinGen allele CA348788858.

ClinVar aggregate classification (germline): Uncertain significance (1 of 4 stars; one submission).

Conditions:
Nemaline myopathy 2 (NEM2). Also called: Nemaline myopathy 2, autosomal recessive. Identifiers: MedGen C1850569, MONDO:0009725, OMIM 256030.

Submission:

Labcorp Genetics (formerly Invitae), Labcorp
Classification: Uncertain significance for Nemaline myopathy 2. Last evaluated: 2024-05-21. Review status: criteria provided, single submitter. Criteria: Invitae Variant Classification Sherloc (09022015). Collection method: clinical testing. Allele origin: germline.
Comment: This sequence change replaces proline, which is neutral and non-polar, with leucine, which is neutral and non-polar, at codon 259 of the NEB protein (p.Pro259Leu). This variant is not present in population databases (gnomAD no frequency). This variant has not been reported in the literature in individuals affected with NEB-related conditions. Experimental studies and prediction algorithms are not available or were not evaluated, and the functional significance of this variant is currently unknown. In summary, the available evidence is currently insufficient to determine the role of this variant in disease. Therefore, it has been classified as a Variant of Uncertain Significance.